The following is an entry in ClinVar:

ClinVar aggregate classification (germline): Uncertain significance. Review status: criteria provided, multiple submitters, no conflicts (2 of 4 stars). 2 submissions from 2 submitters: Uncertain significance (2). Last evaluated 2025-05-21.

Conditions:
Emery-Dreifuss muscular dystrophy 5, autosomal dominant (EDMD5). Also called: EMERY-DREIFUSS MUSCULAR DYSTROPHY 5. Identifiers: Orphanet 261, MedGen C2751805, MONDO:0013072, OMIM 612999.

Allele frequency attached by ClinVar (database versions not stated): gnomAD exomes below 0.00001; ExAC 0.00002; gnomAD 0.00004; TOPMed 0.00004; ESP Exome Variant Server 0.00008.
gnomAD v4.1: 12 of 1,614,142 alleles (0.00074%); highest among the groups gnomAD compares: African/African-American, 0.015%; no homozygotes.

Submissions (2):

Ambry Genetics
Classification: Uncertain significance. Last evaluated: 2025-05-21. Review status: criteria provided, single submitter. Criteria: Ambry Variant Classification Scheme 2023. Collection method: clinical testing. Allele origin: germline.

Labcorp Genetics (formerly Invitae), Labcorp
Classification: Uncertain significance for Emery-Dreifuss muscular dystrophy 5, autosomal dominant. Last evaluated: 2022-03-09. Review status: criteria provided, single submitter. Criteria: Invitae Variant Classification Sherloc (09022015). Collection method: clinical testing. Allele origin: germline.
Comment: ClinVar contains an entry for this variant (Variation ID: 945856). This variant has not been reported in the literature in individuals affected with SYNE2-related conditions. This variant is present in population databases (rs138514714, gnomAD 0.01%). This sequence change replaces methionine, which is neutral and non-polar, with threonine, which is neutral and polar, at codon 6493 of the SYNE2 protein (p.Met6493Thr). Algorithms developed to predict the effect of missense changes on protein structure and function output the following: SIFT: "Tolerated"; PolyPhen-2: "Benign"; Align-GVGD: "Class C0". The threonine amino acid residue is found in multiple mammalian species, which suggests that this missense change does not adversely affect protein function. In summary, the available evidence is currently insufficient to determine the role of this variant in disease. Therefore, it has been classified as a Variant of Uncertain Significance.

NM_182914.3(SYNE2):c.19478T>C (p.Met6493Thr)

Gene: SYNE2 (spectrin repeat containing nuclear envelope protein 2; plus strand). Cytogenetic location: 14q23.2.
Variant type: single nucleotide variant.
Coding change: c.19478T>C on transcript NM_182914.3 (MANE Select); coding-DNA position 19478, T replaced by C.
Protein change: p.Met6493Thr; replaces methionine 6493 with threonine.
Molecular consequence: missense variant. On other transcripts: initiator codon variant (1).
Genome position (GRCh38, 1-based): chr14:64,216,323, T>C. VCF-style: chr14-64216323-T-C. GRCh37 (hg19) VCF-style: chr14-64683041-T-C.
Other names: c.19409T>C, p.Met6470Thr (NM_015180.6); c.2T>C, p.Met1Thr (NM_182910.2); c.380T>C, p.Met127Thr (NM_182913.4); short protein forms M127T, M6493T, M1T, M6470T.
Identifiers: ClinVar variation 945856 (VCV000945856.11), dbSNP rs138514714, ClinGen allele CA7224457.